The following is an entry in ClinVar:

ClinVar aggregate classification (germline): Uncertain significance. Review status: criteria provided, multiple submitters, no conflicts (2 of 4 stars). 3 submissions from 3 submitters: Uncertain significance (3). Last evaluated 2025-11-18.

Conditions:
Hereditary cancer-predisposing syndrome. Also called: Neoplastic Syndromes, Hereditary; Tumor predisposition; Hereditary neoplastic syndrome; Hereditary Cancer Syndrome. Identifiers: Orphanet 140162, MedGen C0027672, MeSH D009386, MONDO:0015356.
Familial adenomatous polyposis 1 (FAP1). Also called: POLYPOSIS, ADENOMATOUS INTESTINAL; FAMILIAL ADENOMATOUS POLYPOSIS 1, ATTENUATED. Identifiers: MedGen C2713442, MONDO:0021056, OMIM 175100. Disease mechanism: loss of function.

Submissions (3):

Labcorp Genetics (formerly Invitae), Labcorp
Classification: Uncertain significance for Familial adenomatous polyposis 1. Last evaluated: 2025-11-18. Review status: criteria provided, single submitter. Criteria: Invitae Variant Classification Sherloc (09022015). Collection method: clinical testing. Allele origin: germline.
Comment: This sequence change replaces threonine, which is neutral and polar, with serine, which is neutral and polar, at codon 872 of the APC protein (p.Thr872Ser). This variant is not present in population databases (gnomAD no frequency). This variant has not been reported in the literature in individuals affected with APC-related conditions. ClinVar contains an entry for this variant (Variation ID: 628642). Invitae Evidence Modeling of protein sequence and biophysical properties (such as structural, functional, and spatial information, amino acid conservation, physicochemical variation, residue mobility, and thermodynamic stability) indicates that this missense variant is not expected to disrupt APC protein function with a negative predictive value of 95%. In summary, the available evidence is currently insufficient to determine the role of this variant in disease. Therefore, it has been classified as a Variant of Uncertain Significance.

Ambry Genetics
Classification: Uncertain significance for Hereditary cancer-predisposing syndrome. Last evaluated: 2024-03-09. Review status: criteria provided, single submitter. Criteria: Ambry Variant Classification Scheme 2023. Collection method: clinical testing. Allele origin: germline.
Comment: The p.T872S variant (also known as c.2614A>T), located in coding exon 15 of the APC gene, results from an A to T substitution at nucleotide position 2614. The threonine at codon 872 is replaced by serine, an amino acid with similar properties. This amino acid position is conserved. In addition, in silico predictors for this gene do not accurately predict pathogenicity. Based on the available evidence, the clinical significance of this alteration remains unclear.

Color Diagnostics, LLC DBA Color Health
Classification: Uncertain significance for Hereditary cancer-predisposing syndrome. Last evaluated: 2024-03-06. Review status: criteria provided, single submitter. Criteria: ACMG Guidelines, 2015. Collection method: clinical testing. Allele origin: germline.
Comment: This missense variant replaces threonine with serine at codon 872 of the APC protein. Computational prediction suggests that this variant may not impact protein structure and function (internally defined REVEL score threshold <= 0.5, PMID: 27666373). Splice site prediction tools suggest that this variant may not impact RNA splicing. To our knowledge, functional studies have not been reported for this variant. This variant has not been reported in individuals affected with hereditary cancer in the literature. This variant has not been identified in the general population by the Genome Aggregation Database (gnomAD). The available evidence is insufficient to determine the role of this variant in disease conclusively. Therefore, this variant is classified as a Variant of Uncertain Significance.

NM_000038.6(APC):c.2614A>T (p.Thr872Ser)

Gene: APC (APC regulator of Wnt signaling pathway; plus strand). Cytogenetic location: 5q22.2.
Variant type: single nucleotide variant.
Coding change: c.2614A>T on transcript NM_000038.6 (MANE Select); coding-DNA position 2614, A replaced by T.
Protein change: p.Thr872Ser; replaces threonine 872 with serine.
Molecular consequence: missense variant.
Genome position (GRCh38, 1-based): chr5:112,838,208, A>T. VCF-style: chr5-112838208-A-T. GRCh37 (hg19) VCF-style: chr5-112173905-A-T.
Other names: c.2644A>T, p.Thr882Ser (NM_001354897.2); c.2539A>T, p.Thr847Ser (NM_001354898.2); c.2530A>T, p.Thr844Ser (NM_001354899.2); c.2491A>T, p.Thr831Ser (NM_001354900.2); c.2311A>T, p.Thr771Ser (NM_001354903.2); c.2236A>T, p.Thr746Ser (NM_001354904.2); c.2134A>T, p.Thr712Ser (NM_001354905.2); c.2437A>T, p.Thr813Ser (NM_001354901.2); and 5 more; short protein forms T854S, T872S, T746S, T890S, T813S, T831S, T771S, T781S.
Identifiers: ClinVar variation 628642 (VCV000628642.7), dbSNP rs1060503294, ClinGen allele CA16027053.